The following is an entry in ClinVar:

ClinVar aggregate classification (germline): Likely benign (1 of 4 stars; one submission).

Allele frequency attached by ClinVar (database versions not stated): gnomAD 0.00001; ExAC 0.00003; TOPMed 0.00003.
gnomAD v4.1: 41 of 1,590,102 alleles (0.0026%); highest among the groups gnomAD compares: Non-Finnish European, 0.0033%; no homozygotes.

Submission:

CeGaT Center for Human Genetics Tuebingen
Classification: Likely benign. Last evaluated: 2023-03-01. Review status: criteria provided, single submitter. Criteria: CeGaT Center For Human Genetics Tuebingen Variant Classification Criteria Version 2. Collection method: clinical testing. Allele origin: germline. Affected: yes. Observed: 1 variant allele.
Comment: GATA3: BP4

NM_001002295.2(GATA3):c.112G>C (p.Ala38Pro)

Gene: GATA3 (GATA binding protein 3; plus strand). Cytogenetic location: 10p14.
Variant type: single nucleotide variant.
Coding change: c.112G>C on transcript NM_001002295.2 (MANE Select); coding-DNA position 112, G replaced by C.
Protein change: p.Ala38Pro; replaces alanine 38 with proline.
Molecular consequence: missense variant.
Genome position (GRCh38, 1-based): chr10:8,055,767, G>C. VCF-style: chr10-8055767-G-C. GRCh37 (hg19) VCF-style: chr10-8097730-G-C.
Other names: c.112G>C, p.Ala38Pro (NM_002051.3); short protein forms A38P.
Identifiers: ClinVar variation 2640295 (VCV002640295.24), dbSNP rs747477962, ClinGen allele CA5404288.